The following is an entry in ClinVar:

NM_001366521.1(ATP2B1):c.1964T>C (p.Phe655Ser)

Gene: ATP2B1 (ATPase plasma membrane Ca2+ transporting 1; minus strand). Cytogenetic location: 12q21.33.
Variant type: single nucleotide variant.
Coding change: c.1964T>C on transcript NM_001366521.1 (MANE Select); coding-DNA position 1964, T replaced by C.
Protein change: p.Phe655Ser; replaces phenylalanine 655 with serine.
Molecular consequence: missense variant. On other transcripts: non-coding transcript variant (3).
Genome position (GRCh38, 1-based): chr12:89,616,905, A>G on the plus strand (T>C on the coding strand, the complement: ATP2B1 is on the minus strand). VCF-style: chr12-89616905-A-G. GRCh37 (hg19) VCF-style: chr12-90010682-A-G.
Other names: c.1964T>C, p.Phe655Ser (NM_001001323.2, NM_001366520.1, NM_001366522.1 and 12 more transcripts); c.1766T>C, p.Phe589Ser (NM_001366530.1, NM_001413053.1); c.1403T>C, p.Phe468Ser (NM_001366531.1, NM_001366532.1, NM_001413058.1 and 2 more transcripts); c.1925T>C, p.Phe642Ser (NM_001413048.1); c.1823T>C, p.Phe608Ser (NM_001413051.1, NM_001413052.1, NM_001413055.1); c.1721T>C, p.Phe574Ser (NM_001413054.1); c.1709T>C, p.Phe570Ser (NM_001413056.1); c.1511T>C, p.Phe504Ser (NM_001413057.1); short protein forms F570S, F642S, F574S, F468S, F504S, F589S, F608S, F655S.
Identifiers: ClinVar variation 4990988 (VCV004990988.1).

ClinVar aggregate classification (germline): Uncertain significance (1 of 4 stars; one submission).

Conditions:
ATP2B1-related disorder. Also called: ATP2B1-related condition.

Submission:

PreventionGenetics, part of Exact Sciences
Classification: Uncertain significance for ATP2B1-related condition. Last evaluated: 2026-04-10. Review status: criteria provided, single submitter. Criteria: ACMG Guidelines, 2015. Collection method: clinical testing. Allele origin: germline.
Comment: The ATP2B1 c.1964T>C variant is predicted to result in the amino acid substitution p.Phe655Ser. To our knowledge, this variant has not been reported in the literature or in a large population database (gnomAD), indicating this variant is rare. At this time, the clinical significance of this variant is uncertain due to the absence of conclusive functional and genetic evidence.